The following is an entry in ClinVar:

ClinVar aggregate classification (germline): Uncertain significance. Review status: criteria provided, multiple submitters, no conflicts (2 of 4 stars). 2 submissions from 2 submitters: Uncertain significance (2). Last evaluated 2024-03-15.

Conditions:
GM1 gangliosidosis. Identifiers: Orphanet 354, MedGen C0085131, MONDO:0018149.
Mucopolysaccharidosis, MPS-IV-B (MPS4B). Also called: Mucopolysaccharidosis type IV B; Mucopolysaccharidosis type 4B; MORQUIO SYNDROME B; Mucopolysaccharidosis type IVB (Morquio); MPS IVB; Mucopolysaccharidosis Type IVB. Identifiers: Orphanet 309310, Orphanet 582, MedGen C0086652, MONDO:0009660, OMIM 253010.
Inborn genetic diseases. Identifiers: MedGen C0950123, MeSH D030342.

Allele frequency attached by ClinVar (database versions not stated): gnomAD exomes 0.00001; ExAC 0.00003.
gnomAD v4.1: 8 of 1,614,122 alleles (0.0005%); highest among the groups gnomAD compares: Admixed American, 0.013%; no homozygotes.

Submissions (2):

Ambry Genetics
Classification: Uncertain significance for Inborn genetic diseases. Last evaluated: 2024-03-15. Review status: criteria provided, single submitter. Criteria: Ambry Variant Classification Scheme 2023. Collection method: clinical testing. Allele origin: germline.

Labcorp Genetics (formerly Invitae), Labcorp
Classification: Uncertain significance for Mucopolysaccharidosis, MPS-IV-B; GM1 gangliosidosis. Last evaluated: 2022-02-20. Review status: criteria provided, single submitter. Criteria: Invitae Variant Classification Sherloc (09022015). Collection method: clinical testing. Allele origin: germline.
Comment: This sequence change replaces alanine, which is neutral and non-polar, with threonine, which is neutral and polar, at codon 538 of the GLB1 protein (p.Ala538Thr). This variant is present in population databases (rs756300205, gnomAD 0.02%). This variant has not been reported in the literature in individuals affected with GLB1-related conditions. Advanced modeling of protein sequence and biophysical properties (such as structural, functional, and spatial information, amino acid conservation, physicochemical variation, residue mobility, and thermodynamic stability) performed at Invitae indicates that this missense variant is not expected to disrupt GLB1 protein function. In summary, the available evidence is currently insufficient to determine the role of this variant in disease. Therefore, it has been classified as a Variant of Uncertain Significance.

NM_000404.4(GLB1):c.1612G>A (p.Ala538Thr)

Gene: GLB1 (galactosidase beta 1; minus strand). Cytogenetic location: 3p22.3.
Variant type: single nucleotide variant.
Coding change: c.1612G>A on transcript NM_000404.4 (MANE Select); coding-DNA position 1612, G replaced by A.
Protein change: p.Ala538Thr; replaces alanine 538 with threonine.
Molecular consequence: missense variant.
Genome position (GRCh38, 1-based): chr3:33,014,178, C>T on the plus strand (G>A on the coding strand, the complement: GLB1 is on the minus strand). VCF-style: chr3-33014178-C-T. GRCh37 (hg19) VCF-style: chr3-33055670-C-T.
Other names: c.1612G>A (NM_000404.2); c.1522G>A, p.Ala508Thr (NM_001079811.3); c.1219G>A, p.Ala407Thr (NM_001135602.3); c.1756G>A, p.Ala586Thr (NM_001317040.2); c.1612G>A, p.Ala538Thr (NM_001393580.1); short protein forms A508T, A407T, A586T, A538T.
Identifiers: ClinVar variation 1919061 (VCV001919061.3), dbSNP rs756300205, ClinGen allele CA2299346.